The following is an entry in ClinVar:

NM_006206.6(PDGFRA):c.2641T>A (p.Tyr881Asn)

Gene: PDGFRA (platelet derived growth factor receptor alpha; plus strand). Cytogenetic location: 4q12.
Variant type: single nucleotide variant.
Coding change: c.2641T>A on transcript NM_006206.6 (MANE Select); coding-DNA position 2641, T replaced by A.
Protein change: p.Tyr881Asn; replaces tyrosine 881 with asparagine.
Molecular consequence: missense variant.
Genome position (GRCh38, 1-based): chr4:54,287,508, T>A. VCF-style: chr4-54287508-T-A. GRCh37 (hg19) VCF-style: chr4-55153675-T-A.
Other names: c.2716T>A, p.Tyr906Asn (NM_001347828.2); c.2641T>A, p.Tyr881Asn (NM_001347829.2); c.2680T>A, p.Tyr894Asn (NM_001347830.2); short protein forms Y881N, Y894N, Y906N.
Identifiers: ClinVar variation 1364081 (VCV001364081.6), dbSNP rs2110341633, ClinGen allele CA356895307.
Genomic context (GRCh38, chr4:54,287,508, plus strand): 5'-TGGATGGCTCCTGAGAGCATCTTTGACAACCTCTACACCACACTGAGTGATGTCTGGTCT[T>A]ATGGCATTCTGCTCTGGGAGATCTTTTCCCTTGGTATGGGCCTGACATTGCTGCTTATTT-3'
Protein context (NP_006197.1, residues 871-891): LYTTLSDVWS[Tyr881Asn]GILLWEIFSL

ClinVar aggregate classification (germline): Uncertain significance (1 of 4 stars; one submission).

Conditions:
Gastrointestinal stromal tumor. Also called: Gastrointestinal stroma tumor; Gastrointestinal stromal tumor, somatic. Identifiers: Orphanet 44890, MedGen C0238198, MeSH D046152, MONDO:0011719, OMIM 606764, HP:0100723.

Submission:

Labcorp Genetics (formerly Invitae), Labcorp
Classification: Uncertain significance for Gastrointestinal stromal tumor. Last evaluated: 2021-11-05. Review status: criteria provided, single submitter. Criteria: Invitae Variant Classification Sherloc (09022015). Collection method: clinical testing. Allele origin: germline.
Comment: In summary, the available evidence is currently insufficient to determine the role of this variant in disease. Therefore, it has been classified as a Variant of Uncertain Significance. Algorithms developed to predict the effect of missense changes on protein structure and function are either unavailable or do not agree on the potential impact of this missense change (SIFT: "Deleterious"; PolyPhen-2: "Probably Damaging"; Align-GVGD: "Class C0"). This variant has not been reported in the literature in individuals affected with PDGFRA-related conditions. This variant is not present in population databases (gnomAD no frequency). This sequence change replaces tyrosine, which is neutral and polar, with asparagine, which is neutral and polar, at codon 881 of the PDGFRA protein (p.Tyr881Asn).